The following is an entry in ClinVar:

ClinVar aggregate classification (germline): Uncertain significance (1 of 4 stars; one submission).

Conditions:
Hereditary nonpolyposis colorectal neoplasms. Identifiers: MedGen C0009405, MeSH D003123.

Submission:

Labcorp Genetics (formerly Invitae), Labcorp
Classification: Uncertain significance for Hereditary nonpolyposis colorectal neoplasms. Last evaluated: 2024-05-28. Review status: criteria provided, single submitter. Criteria: Invitae Variant Classification Sherloc (09022015). Collection method: clinical testing. Allele origin: germline.
Comment: This sequence change replaces serine, which is neutral and polar, with arginine, which is basic and polar, at codon 834 of the MSH6 protein (p.Ser834Arg). This variant is not present in population databases (gnomAD no frequency). This variant has not been reported in the literature in individuals affected with MSH6-related conditions. Advanced modeling of protein sequence and biophysical properties (such as structural, functional, and spatial information, amino acid conservation, physicochemical variation, residue mobility, and thermodynamic stability) performed at Invitae indicates that this missense variant is not expected to disrupt MSH6 protein function with a negative predictive value of 95%. In summary, the available evidence is currently insufficient to determine the role of this variant in disease. Therefore, it has been classified as a Variant of Uncertain Significance.

NM_000179.3(MSH6):c.2502T>G (p.Ser834Arg)

Gene: MSH6 (mutS homolog 6; plus strand). Cytogenetic location: 2p16.3.
Variant type: single nucleotide variant.
Coding change: c.2502T>G on transcript NM_000179.3 (MANE Select); coding-DNA position 2502, T replaced by G.
Protein change: p.Ser834Arg; replaces serine 834 with arginine.
Molecular consequence: missense variant. On other transcripts: non-coding transcript variant (5), intron variant (3).
Genome position (GRCh38, 1-based): chr2:47,800,485, T>G. VCF-style: chr2-47800485-T-G. GRCh37 (hg19) VCF-style: chr2-48027624-T-G.
Other names: c.2205T>G, p.Ser735Arg (NM_001406818.1, NM_001406819.1, NM_001406820.1 and 10 more transcripts); c.1596T>G, p.Ser532Arg (NM_001406823.1, NM_001406829.1, NM_001406811.1 and 6 more transcripts); c.2334T>G, p.Ser778Arg (NM_001406826.1); c.2308+194T>G (NM_001406803.1); c.1606+896T>G (NM_001406817.1); c.628-181T>G (NM_001407362.1); c.2502T>G, p.Ser834Arg (NM_001406798.1, NM_001406800.1, NM_001406808.1 and 2 more transcripts); c.1977T>G, p.Ser659Arg (NM_001406799.1, NM_001406806.1, NM_001406807.1); and 4 more; short protein forms S532R, S778R, S834R, S808R, S836R, S866R, S659R, S704R.
Identifiers: ClinVar variation 2819059 (VCV002819059.3), dbSNP rs1669471280, ClinGen allele CA346754255.